The following is an entry in ClinVar:

ClinVar aggregate classification (germline): Uncertain significance (1 of 4 stars; one submission).

Conditions:
Hereditary cancer-predisposing syndrome. Also called: Neoplastic Syndromes, Hereditary; Tumor predisposition; Hereditary neoplastic syndrome; Hereditary Cancer Syndrome. Identifiers: Orphanet 140162, MedGen C0027672, MeSH D009386, MONDO:0015356.

Submission:

Ambry Genetics
Classification: Uncertain significance for Hereditary cancer-predisposing syndrome. Last evaluated: 2026-07-07. Review status: criteria provided, single submitter. Criteria: Ambry Variant Classification Scheme 2023. Collection method: clinical testing. Allele origin: germline.
Comment: The p.P86L variant (also known as c.257C>T), located in coding exon 2 of the PRKAR1A gene, results from a C to T substitution at nucleotide position 257. The proline at codon 86 is replaced by leucine, an amino acid with similar properties. This amino acid position is conserved. In addition, the in silico prediction for this alteration is inconclusive. Based on the available evidence, the clinical significance of this variant remains unclear.

NM_002734.5(PRKAR1A):c.257C>T (p.Pro86Leu)

Gene: PRKAR1A (protein kinase cAMP-dependent type I regulatory subunit alpha; plus strand). Cytogenetic location: 17q24.2.
Variant type: single nucleotide variant.
Coding change: c.257C>T on transcript NM_002734.5 (MANE Select); coding-DNA position 257, C replaced by T.
Protein change: p.Pro86Leu; replaces proline 86 with leucine.
Molecular consequence: missense variant.
Genome position (GRCh38, 1-based): chr17:68,522,835, C>T. VCF-style: chr17-68522835-C-T. GRCh37 (hg19) VCF-style: chr17-66518976-C-T.
Other names: c.257C>T, p.Pro86Leu (NM_001276289.2, NM_001276290.1, NM_001278433.2 and 4 more transcripts); short protein forms P86L.
Identifiers: ClinVar variation 5027337 (VCV005027337.1).
Genomic context (GRCh38, chr17:68,522,835, plus strand): 5'-AGAATCTGCAGAAAGCAGGCACTCGTACAGACTCAAGGGAGGATGAGATTTCTCCTCCTC[C>T]ACCCAACCCAGTGGTTAAAGGTAGGAGGCGACGAGGTGCTATCAGCGCTGAGGTCTACAC-3'
Protein context (NP_002725.1, residues 76-96): DSREDEISPP[Pro86Leu]PNPVVKGRRR